The following is an entry in ClinVar:

ClinVar aggregate classification (germline): Uncertain significance (1 of 4 stars; one submission).

Conditions:
Inborn genetic diseases. Identifiers: MedGen C0950123, MeSH D030342.

Submission:

Ambry Genetics
Classification: Uncertain significance for Inborn genetic diseases. Last evaluated: 2024-07-28. Review status: criteria provided, single submitter. Criteria: Ambry Variant Classification Scheme 2023. Collection method: clinical testing. Allele origin: germline.
Comment: The p.I1130V variant (also known as c.3388A>G), located in coding exon 17 of the ATR gene, results from an A to G substitution at nucleotide position 3388. The isoleucine at codon 1130 is replaced by valine, an amino acid with highly similar properties. This amino acid position is conserved. In addition, this alteration is predicted to be tolerated by in silico analysis. Based on the available evidence, the clinical significance of this variant remains unclear.

NM_001184.4(ATR):c.3388A>G (p.Ile1130Val)

Gene: ATR (ATR serine/threonine kinase; minus strand). Cytogenetic location: 3q23.
Variant type: single nucleotide variant.
Coding change: c.3388A>G on transcript NM_001184.4 (MANE Select); coding-DNA position 3388, A replaced by G.
Protein change: p.Ile1130Val; replaces isoleucine 1130 with valine.
Molecular consequence: missense variant.
Genome position (GRCh38, 1-based): chr3:142,542,727, T>C on the plus strand (A>G on the coding strand, the complement: ATR is on the minus strand). VCF-style: chr3-142542727-T-C. GRCh37 (hg19) VCF-style: chr3-142261569-T-C.
Other names: c.3196A>G, p.Ile1066Val (NM_001354579.2); short protein forms I1066V, I1130V.
Identifiers: ClinVar variation 3462476 (VCV003462476.1).